The following is an entry in ClinVar:

ClinVar aggregate classification (germline): Uncertain significance (1 of 4 stars; one submission).

Submission:

Labcorp Genetics (formerly Invitae), Labcorp
Classification: Uncertain significance. Last evaluated: 2022-11-11. Review status: criteria provided, single submitter. Criteria: Invitae Variant Classification Sherloc (09022015). Collection method: clinical testing. Allele origin: germline.
Comment: In summary, the available evidence is currently insufficient to determine the role of this variant in disease. Therefore, it has been classified as a Variant of Uncertain Significance. Advanced modeling of protein sequence and biophysical properties (such as structural, functional, and spatial information, amino acid conservation, physicochemical variation, residue mobility, and thermodynamic stability) performed at Invitae indicates that this missense variant is expected to disrupt ECHS1 protein function. This variant has not been reported in the literature in individuals affected with ECHS1-related conditions. This variant is not present in population databases (gnomAD no frequency). This sequence change replaces serine, which is neutral and polar, with glycine, which is neutral and non-polar, at codon 210 of the ECHS1 protein (p.Ser210Gly).

NM_004092.4(ECHS1):c.628A>G (p.Ser210Gly)

Gene: ECHS1 (enoyl-CoA hydratase, short chain 1; minus strand). Cytogenetic location: 10q26.3.
Variant type: single nucleotide variant.
Coding change: c.628A>G on transcript NM_004092.4 (MANE Select); coding-DNA position 628, A replaced by G.
Protein change: p.Ser210Gly; replaces serine 210 with glycine.
Molecular consequence: missense variant.
Genome position (GRCh38, 1-based): chr10:133,366,087, T>C on the plus strand (A>G on the coding strand, the complement: ECHS1 is on the minus strand). VCF-style: chr10-133366087-T-C. GRCh37 (hg19) VCF-style: chr10-135179591-T-C.
Other names: short protein forms S210G.
Identifiers: ClinVar variation 2813704 (VCV002813704.2), dbSNP rs2493837473, ClinGen allele CA378819458.